The following is an entry in ClinVar:

ClinVar aggregate classification (germline): Pathogenic. Review status: reviewed by expert panel (3 of 4 stars). 2 submissions from 2 submitters: Pathogenic (1). 1 of the submissions does not count toward it. Last evaluated 2016-10-18.

Conditions:
Breast-ovarian cancer, familial, susceptibility to, 2 (BROVCA2). Also called: BRCA2 Hereditary Breast and Ovarian Cancer. Identifiers: Orphanet 145, MedGen C2675520, MONDO:0012933, OMIM 612555. Disease mechanism: loss of function.

Submissions (2):

Evidence-based Network for the Interpretation of Germline Mutant Alleles (ENIGMA)
Classification: Pathogenic for Breast-ovarian cancer, familial, susceptibility to, 2. Last evaluated: 2016-10-18. Review status: reviewed by expert panel. Criteria: ENIGMA BRCA1/2 Classification Criteria (2015). Collection method: curation. Allele origin: germline.
Comment: Variant allele predicted to encode a truncated non-functional protein.

Consortium of Investigators of Modifiers of BRCA1/2 (CIMBA), c/o University of Cambridge
Classification: Pathogenic for Breast-ovarian cancer, familial, susceptibility to, 2. Last evaluated: 2015-10-02. Review status: criteria provided, single submitter. Criteria: CIMBA Mutation Classification guidelines May 2016. Collection method: clinical testing. Allele origin: germline. Not counted in ClinVar's aggregate classification.

NM_000059.4(BRCA2):c.5855_5856insAGTT (p.Glu1953fs)

Gene: BRCA2 (BRCA2 DNA repair associated; plus strand). Cytogenetic location: 13q13.1.
Variant type: Insertion.
Coding change: c.5855_5856insAGTT on transcript NM_000059.4 (MANE Select); coding-DNA positions 5855 to 5856, AGTT inserted.
Protein change: p.Glu1953fs; shifts the reading frame from glutamic acid 1953.
Molecular consequence: frameshift variant.
Genome position: GRCh38 VCF-style: chr13-32340208-T-TTTAG. GRCh37 (hg19) VCF-style: chr13-32914345-T-TTTAG.
Other names: 6083insAGTT; short protein forms E1953fs.
Identifiers: ClinVar variation 266901 (VCV000266901.7), dbSNP rs886040616, ClinGen allele CA10589334.
Genomic context (GRCh38, chr13:32,340,208, plus strand): 5'-ACATAACCAAAATATGTCTGGATTGGAGAAAGTTTCTAAAATATCACCTTGTGATGTTAG[T>TTTAG]TTGGAAACTTCAGATATATGTAAATGTAGTATAGGGAAGCTTCATAAGTCAGTCTCATCT-3'